The following is an entry in ClinVar:

ClinVar aggregate classification (germline): Uncertain significance (1 of 4 stars; one submission).

Allele frequency attached by ClinVar (database versions not stated): gnomAD exomes below 0.00001.
gnomAD v4.1: 4 of 1,609,050 alleles (0.00025%); highest among the groups gnomAD compares: Non-Finnish European, 0.00034%; no homozygotes.

Submission:

GeneDx
Classification: Uncertain significance. Last evaluated: 2022-06-17. Review status: criteria provided, single submitter. Criteria: GeneDx Variant Classification Process June 2021. Collection method: clinical testing. Allele origin: germline. Affected: yes.
Comment: Not observed at significant frequency in large population cohorts (gnomAD); In silico analysis supports that this missense variant has a deleterious effect on protein structure/function; Has not been previously published as pathogenic or benign to our knowledge.

NM_003601.4(SMARCA5):c.506A>G (p.Glu169Gly)

Gene: SMARCA5 (SNF2 related chromatin remodeling ATPase 5; plus strand). Cytogenetic location: 4q31.21.
Variant type: single nucleotide variant.
Coding change: c.506A>G on transcript NM_003601.4 (MANE Select); coding-DNA position 506, A replaced by G.
Protein change: p.Glu169Gly; replaces glutamic acid 169 with glycine.
Molecular consequence: missense variant.
Genome position (GRCh38, 1-based): chr4:143,524,453, A>G. VCF-style: chr4-143524453-A-G. GRCh37 (hg19) VCF-style: chr4-144445606-A-G.
Other names: short protein forms E169G.
Identifiers: ClinVar variation 1810687 (VCV001810687.1), dbSNP rs2531480995, ClinGen allele CA358326227.